The following is an entry in ClinVar:

NM_000222.3(KIT):c.121C>G (p.Pro41Ala)

Gene: KIT (KIT proto-oncogene, receptor tyrosine kinase; plus strand). Cytogenetic location: 4q12.
Variant type: single nucleotide variant.
Coding change: c.121C>G on transcript NM_000222.3 (MANE Select); coding-DNA position 121, C replaced by G.
Protein change: p.Pro41Ala; replaces proline 41 with alanine.
Molecular consequence: missense variant.
Genome position (GRCh38, 1-based): chr4:54,695,565, C>G. VCF-style: chr4-54695565-C-G. GRCh37 (hg19) VCF-style: chr4-55561731-C-G.
Other names: c.121C>G, p.Pro41Ala (NM_001093772.2, NM_001385284.1, NM_001385285.1 and 4 more transcripts); short protein forms P41A.
Identifiers: ClinVar variation 1999129 (VCV001999129.5), dbSNP rs768569749, ClinGen allele CA356896883.

ClinVar aggregate classification (germline): Uncertain significance. Review status: criteria provided, multiple submitters, no conflicts (2 of 4 stars). 2 submissions from 2 submitters: Uncertain significance (2). Last evaluated 2024-05-31.

Conditions:
Hereditary cancer-predisposing syndrome. Also called: Tumor predisposition; Hereditary Cancer Syndrome; Hereditary neoplastic syndrome; Neoplastic Syndromes, Hereditary. Identifiers: Orphanet 140162, MedGen C0027672, MeSH D009386, MONDO:0015356.
Gastrointestinal stromal tumor. Also called: Gastrointestinal stroma tumor; Gastrointestinal stromal tumor, somatic. Identifiers: Orphanet 44890, MedGen C0238198, MeSH D046152, MONDO:0011719, OMIM 606764, HP:0100723.

Allele frequency attached by ClinVar (database versions not stated): gnomAD exomes below 0.00001.
gnomAD v4.1: 2 of 1,614,194 alleles (0.00012%); highest among the groups gnomAD compares: Non-Finnish European, 0.00017%; no homozygotes.

Submissions (2):

Ambry Genetics
Classification: Uncertain significance for Hereditary cancer-predisposing syndrome. Last evaluated: 2024-05-31. Review status: criteria provided, single submitter. Criteria: Ambry Variant Classification Scheme 2023. Collection method: clinical testing. Allele origin: germline.
Comment: The p.P41A variant (also known as c.121C>G), located in coding exon 2 of the KIT gene, results from a C to G substitution at nucleotide position 121. The proline at codon 41 is replaced by alanine, an amino acid with highly similar properties. This amino acid position is conserved. In addition, this alteration is predicted to be tolerated by in silico analysis. Based on the available evidence, the clinical significance of this variant remains unclear.

Labcorp Genetics (formerly Invitae), Labcorp
Classification: Uncertain significance for Gastrointestinal stromal tumor. Last evaluated: 2023-03-22. Review status: criteria provided, single submitter. Criteria: Invitae Variant Classification Sherloc (09022015). Collection method: clinical testing. Allele origin: germline.
Comment: In summary, the available evidence is currently insufficient to determine the role of this variant in disease. Therefore, it has been classified as a Variant of Uncertain Significance. This sequence change replaces proline, which is neutral and non-polar, with alanine, which is neutral and non-polar, at codon 41 of the KIT protein (p.Pro41Ala). This variant is not present in population databases (gnomAD no frequency). This variant has not been reported in the literature in individuals affected with KIT-related conditions. ClinVar contains an entry for this variant (Variation ID: 1999129). An algorithm developed to predict the effect of missense changes on protein structure and function (PolyPhen-2) suggests that this variant is likely to be disruptive.